The following is an entry in ClinVar:

NM_003327.4(TNFRSF4):c.613C>G (p.Arg205Gly)

Gene: TNFRSF4 (TNF receptor superfamily member 4; minus strand). Cytogenetic location: 1p36.33.
Variant type: single nucleotide variant.
Coding change: c.613C>G on transcript NM_003327.4 (MANE Select); coding-DNA position 613, C replaced by G.
Protein change: p.Arg205Gly; replaces arginine 205 with glycine.
Molecular consequence: missense variant.
Genome position (GRCh38, 1-based): chr1:1,211,963, G>C on the plus strand (C>G on the coding strand, the complement: TNFRSF4 is on the minus strand). VCF-style: chr1-1211963-G-C. GRCh37 (hg19) VCF-style: chr1-1147343-G-C.
Other names: c.613C>G (NM_003327.3); c.613C>G, p.Arg205Gly (NM_001410709.1); short protein forms R205G.
Identifiers: ClinVar variation 3625455 (VCV003625455.3).

ClinVar aggregate classification (germline): Uncertain significance. Review status: criteria provided, multiple submitters, no conflicts (2 of 4 stars). 2 submissions from 2 submitters: Uncertain significance (2). Last evaluated 2025-11-12.

Conditions:
Combined immunodeficiency due to OX40 deficiency. Also called: Immunodeficiency 16; OX40 DEFICIENCY. Identifiers: Orphanet 431149, MedGen C3810053, MONDO:0014268, OMIM 615593.

gnomAD v4.1: 2 of 1,585,376 alleles (0.00013%); highest among the groups gnomAD compares: Non-Finnish European, 0.00017%; no homozygotes.

Submissions (2):

Labcorp Genetics (formerly Invitae), Labcorp
Classification: Uncertain significance for Combined immunodeficiency due to OX40 deficiency. Last evaluated: 2025-11-12. Review status: criteria provided, single submitter. Criteria: Invitae Variant Classification Sherloc (09022015). Collection method: clinical testing. Allele origin: germline.
Comment: This sequence change replaces arginine, which is basic and polar, with glycine, which is neutral and non-polar, at codon 205 of the TNFRSF4 protein (p.Arg205Gly). This variant is present in population databases (rs773180013, gnomAD 0.001%). This variant has not been reported in the literature in individuals affected with TNFRSF4-related conditions. ClinVar contains an entry for this variant (Variation ID: 3625455). An algorithm developed to predict the effect of missense changes on protein structure and function (PolyPhen-2) suggests that this variant is likely to be tolerated. In summary, the available evidence is currently insufficient to determine the role of this variant in disease. Therefore, it has been classified as a Variant of Uncertain Significance.

Ambry Genetics
Classification: Uncertain significance. Last evaluated: 2025-05-14. Review status: criteria provided, single submitter. Criteria: Ambry Variant Classification Scheme 2023. Collection method: clinical testing. Allele origin: germline.